The following is an entry in ClinVar:

NM_003243.5(TGFBR3):c.2519C>T (p.Thr840Met)

Gene: TGFBR3 (transforming growth factor beta receptor 3; minus strand). Cytogenetic location: 1p22.1.
Variant type: single nucleotide variant.
Coding change: c.2519C>T on transcript NM_003243.5 (MANE Select); coding-DNA position 2519, C replaced by T.
Protein change: p.Thr840Met; replaces threonine 840 with methionine.
Molecular consequence: missense variant. On other transcripts: non-coding transcript variant (1).
Genome position (GRCh38, 1-based): chr1:91,683,776, G>A on the plus strand (C>T on the coding strand, the complement: TGFBR3 is on the minus strand). VCF-style: chr1-91683776-G-A. GRCh37 (hg19) VCF-style: chr1-92149333-G-A.
Other names: c.2516C>T, p.Thr839Met (NM_001195683.2, NM_001195684.1); short protein forms T839M, T840M.
Identifiers: ClinVar variation 161609 (VCV000161609.8), dbSNP rs193920827, ClinGen allele CA174441.

ClinVar aggregate classification (germline): Uncertain significance. Review status: criteria provided, single submitter (1 of 4 stars). 3 submissions from 3 submitters: Uncertain significance (1). 2 of the submissions do not count toward it. Last evaluated 2024-10-24.

Conditions:
Infertility disorder. Also called: Infertility. Identifiers: MedGen C0021359, MeSH D007246, MONDO:0005047, HP:0000789.
Prostate cancer. Also called: Malignant tumor of prostate. Identifiers: Orphanet 1331, MedGen C0376358, MONDO:0008315, HP:0012125.

Allele frequency attached by ClinVar (database versions not stated): gnomAD exomes 0.00011; ExAC 0.00021; gnomAD 0.00005 and 0.00007; 1000 Genomes Project 0.00040; 1000 Genomes Project 30x 0.00031; TOPMed 0.00003.
gnomAD v4.1: 171 of 1,602,612 alleles (0.011%); highest among the groups gnomAD compares: South Asian, 0.072%; 1 homozygote.

Submissions (3):

Ambry Genetics
Classification: Uncertain significance. Last evaluated: 2024-10-24. Review status: criteria provided, single submitter. Criteria: Ambry Variant Classification Scheme 2023. Collection method: clinical testing. Allele origin: germline.

MAGI's Lab - Research, MAGI Group
Classification: Uncertain significance for Infertility disorder. Review status: no assertion criteria provided. Collection method: provider interpretation. Allele origin: germline. Affected: yes. Not counted in ClinVar's aggregate classification.

Science for Life laboratory,  Karolinska Institutet
Classification: Uncertain significance for Malignant tumor of prostate. Review status: no assertion criteria provided. Collection method: not provided. Allele origin: somatic. Not counted in ClinVar's aggregate classification.
Comment: TumorID:SWE-13
ClinVar note: Converted during submission from Unknown to Uncertain significance.